The following is an entry in ClinVar:

ClinVar aggregate classification (germline): Likely benign. Review status: criteria provided, multiple submitters, no conflicts (2 of 4 stars). 3 submissions from 3 submitters: Likely benign (2). 1 of the submissions does not count toward it. Last evaluated 2026-01-01.

Conditions:
TRIO-related disorder. Also called: TRIO-related condition; TRIO-related disorders.

Allele frequency attached by ClinVar (database versions not stated): gnomAD exomes 0.00001.
gnomAD v4.1: 14 of 1,614,154 alleles (0.00087%); highest among the groups gnomAD compares: Middle Eastern, 0.099%; no homozygotes.

Submissions (3):

CeGaT Center for Human Genetics Tuebingen
Classification: Likely benign. Last evaluated: 2026-01-01. Review status: criteria provided, single submitter. Criteria: CeGaT Center For Human Genetics Tuebingen Variant Classification Criteria Version 2. Collection method: clinical testing. Allele origin: germline. Affected: yes. Observed: 1 variant allele.
Comment: TRIO: BP4, BP7

Blueprint Genetics
Classification: Likely benign. Last evaluated: 2024-11-11. Review status: criteria provided, single submitter. Criteria: ACMG Guidelines, 2015. Collection method: clinical testing. Allele origin: germline.

PreventionGenetics, part of Exact Sciences
Classification: Likely benign for TRIO-related condition. Last evaluated: 2019-07-01. Review status: no assertion criteria provided. Collection method: clinical testing. Allele origin: germline. Not counted in ClinVar's aggregate classification.
Comment: This variant is classified as likely benign based on ACMG/AMP sequence variant interpretation guidelines (Richards et al. 2015 PMID: 25741868, with internal and published modifications).

NM_007118.4(TRIO):c.8547C>T (p.His2849=)

Gene: TRIO (trio Rho guanine nucleotide exchange factor; plus strand). Cytogenetic location: 5p15.2.
Variant type: single nucleotide variant.
Coding change: c.8547C>T on transcript NM_007118.4 (MANE Select); coding-DNA position 8547, C replaced by T.
Protein change: p.His2849=; no amino-acid change (histidine 2849 retained).
Molecular consequence: synonymous variant. On other transcripts: non-coding transcript variant (1).
Genome position (GRCh38, 1-based): chr5:14,504,528, C>T. VCF-style: chr5-14504528-C-T. GRCh37 (hg19) VCF-style: chr5-14504637-C-T.
Identifiers: ClinVar variation 3042986 (VCV003042986.7), dbSNP rs867577569, ClinGen allele CA114015554.